The following is an entry in ClinVar:

NM_001318852.2(MAPK8IP3):c.2074G>A (p.Val692Met)

Gene: MAPK8IP3 (mitogen-activated protein kinase 8 interacting protein 3; plus strand). Cytogenetic location: 16p13.3.
Variant type: single nucleotide variant.
Coding change: c.2074G>A on transcript NM_001318852.2 (MANE Select); coding-DNA position 2074, G replaced by A.
Protein change: p.Val692Met; replaces valine 692 with methionine.
Molecular consequence: missense variant.
Genome position (GRCh38, 1-based): chr16:1,764,163, G>A. VCF-style: chr16-1764163-G-A. GRCh37 (hg19) VCF-style: chr16-1814164-G-A.
Other names: c.2053G>A, p.Val685Met (NM_001040439.2); c.2071G>A, p.Val691Met (NM_015133.5); short protein forms V685M, V691M, V692M.
Identifiers: ClinVar variation 3377968 (VCV003377968.1).
Genomic context (GRCh38, chr16:1,764,163, plus strand): 5'-TGCTCCCTGCAGCTGAGTCCCAACGGGGGCCAGGAGGACACGCGGATGAAGAACGTGCCG[G>A]TGCCGGTGTACTGCCGCCCTCTGGTGGAGAAGGACCCCACCATGAAGGTGAGCCCGCGAG-3'
Protein context (NP_001305781.1, residues 682-702): QEDTRMKNVP[Val692Met]PVYCRPLVEK

ClinVar aggregate classification (germline): Uncertain significance (1 of 4 stars; one submission).

Submission:

GeneDx
Classification: Uncertain significance. Last evaluated: 2024-05-16. Review status: criteria provided, single submitter. Criteria: GeneDx Variant Classification Process June 2021. Collection method: clinical testing. Allele origin: germline. Affected: yes.
Comment: Not observed at significant frequency in large population cohorts (gnomAD); In silico analysis supports that this missense variant has a deleterious effect on protein structure/function; Has not been previously published as pathogenic or benign to our knowledge